The following is an entry in ClinVar:

ClinVar aggregate classification (germline): Uncertain significance (1 of 4 stars; one submission).

Submission:

Labcorp Genetics (formerly Invitae), Labcorp
Classification: Uncertain significance. Last evaluated: 2024-09-04. Review status: criteria provided, single submitter. Criteria: Invitae Variant Classification Sherloc (09022015). Collection method: clinical testing. Allele origin: germline.
Comment: This sequence change replaces aspartic acid, which is acidic and polar, with valine, which is neutral and non-polar, at codon 3869 of the HMCN1 protein (p.Asp3869Val). This variant is not present in population databases (gnomAD no frequency). This variant has not been reported in the literature in individuals affected with HMCN1-related conditions. An algorithm developed to predict the effect of missense changes on protein structure and function (PolyPhen-2) suggests that this variant is likely to be disruptive. Algorithms developed to predict the effect of sequence changes on RNA splicing suggest that this variant may disrupt the consensus splice site. In summary, the available evidence is currently insufficient to determine the role of this variant in disease. Therefore, it has been classified as a Variant of Uncertain Significance.

NM_031935.3(HMCN1):c.11606A>T (p.Asp3869Val)

Gene: HMCN1 (hemicentin 1; plus strand). Cytogenetic location: 1q31.1.
Variant type: single nucleotide variant.
Coding change: c.11606A>T on transcript NM_031935.3 (MANE Select); coding-DNA position 11606, A replaced by T.
Protein change: p.Asp3869Val; replaces aspartic acid 3869 with valine.
Molecular consequence: missense variant.
Genome position (GRCh38, 1-based): chr1:186,117,038, A>T. VCF-style: chr1-186117038-A-T. GRCh37 (hg19) VCF-style: chr1-186086170-A-T.
Other names: short protein forms D3869V.
Identifiers: ClinVar variation 3664541 (VCV003664541.2).